The following is an entry in ClinVar:

NM_080916.3(DGUOK):c.143-181G>A

Gene: DGUOK (deoxyguanosine kinase; plus strand). Cytogenetic location: 2p13.1.
Variant type: single nucleotide variant.
Coding change: c.143-181G>A on transcript NM_080916.3 (MANE Select); 181 bases into the intron before coding-DNA position 143, G replaced by A.
Molecular consequence: intron variant.
Genome position (GRCh38, 1-based): chr2:73,938,729, G>A. VCF-style: chr2-73938729-G-A. GRCh37 (hg19) VCF-style: chr2-74165856-G-A.
Other names: c.-37+6046G>A (NM_001318861.2, NM_001318862.2); c.143-181G>A (NM_080918.3, NM_001318859.2); c.-36-7990G>A (NM_001318860.2, NM_001318863.2).
Identifiers: ClinVar variation 679277 (VCV000679277.1), dbSNP rs831527, ClinGen allele CA11118414.
Genomic context (GRCh38, chr2:73,938,729, plus strand): 5'-AAATTGCAAATTAAATCTTAAAAGGAATTTTTCCTCCCTATTGGCTGTATTCATTATGGT[G>A]GTTCTGGTTAGCATGAATTGATCTGTTATCAGTCTGACAATGGTACGGCTGCTGAGTTTG-3'

ClinVar aggregate classification (germline): Benign (1 of 4 stars; one submission).

Allele frequency attached by ClinVar (database versions not stated): 1000 Genomes Project 0.49381; 1000 Genomes Project 30x 0.49422; TOPMed 0.53504; gnomAD 0.55665 and 0.55688.

Submission:

GeneDx
Classification: Benign. Last evaluated: 2018-06-14. Review status: criteria provided, single submitter. Criteria: GeneDx Variant Classification (06012015). Collection method: clinical testing. Allele origin: germline. Affected: yes.
Comment: This variant is considered likely benign or benign based on one or more of the following criteria: it is a conservative change, it occurs at a poorly conserved position in the protein, it is predicted to be benign by multiple in silico algorithms, and/or has population frequency not consistent with disease.